The following is an entry in ClinVar:

NM_000075.4(CDK4):c.684C>G (p.Asp228Glu)

Genes: CDK4 (cyclin dependent kinase 4; minus strand), TSPAN31 (tetraspanin 31; plus strand). Cytogenetic location: 12q14.1.
Variant type: single nucleotide variant.
Coding change: c.684C>G on transcript NM_000075.4 (MANE Select); coding-DNA position 684, C replaced by G.
Protein change: p.Asp228Glu; replaces aspartic acid 228 with glutamic acid.
Molecular consequence: missense variant. On other transcripts: 3 prime UTR variant (3).
Genome position (GRCh38, 1-based): chr12:57,749,317, G>C on the plus strand (C>G on the coding strand, the complement: CDK4 is on the minus strand). VCF-style: chr12-57749317-G-C. GRCh37 (hg19) VCF-style: chr12-58143100-G-C.
Other names: c.*2027G>C (NM_001330168.2, NM_001330169.2, NM_005981.5); short protein forms D228E.
Identifiers: ClinVar variation 2576687 (VCV002576687.3), dbSNP rs1555201112, ClinGen allele CA385543776.

ClinVar aggregate classification (germline): Uncertain significance. Review status: criteria provided, multiple submitters, no conflicts (2 of 4 stars). 2 submissions from 2 submitters: Uncertain significance (2). Last evaluated 2024-03-17.

Conditions:
Familial melanoma. Also called: Hereditary melanoma; Hereditary cutaneous melanoma. Identifiers: Orphanet 618, MedGen C1512419, MONDO:0018961.

Submissions (2):

Labcorp Genetics (formerly Invitae), Labcorp
Classification: Uncertain significance for Familial melanoma. Last evaluated: 2024-03-17. Review status: criteria provided, single submitter. Criteria: Invitae Variant Classification Sherloc (09022015). Collection method: clinical testing. Allele origin: germline.
Comment: This sequence change replaces aspartic acid, which is acidic and polar, with glutamic acid, which is acidic and polar, at codon 228 of the CDK4 protein (p.Asp228Glu). This variant is not present in population databases (gnomAD no frequency). This variant has not been reported in the literature in individuals affected with CDK4-related conditions. ClinVar contains an entry for this variant (Variation ID: 2576687). An algorithm developed to predict the effect of missense changes on protein structure and function (PolyPhen-2) suggests that this variant is likely to be tolerated. In summary, the available evidence is currently insufficient to determine the role of this variant in disease. Therefore, it has been classified as a Variant of Uncertain Significance.

GeneDx
Classification: Uncertain significance. Last evaluated: 2023-02-15. Review status: criteria provided, single submitter. Criteria: GeneDx Variant Classification Process June 2021. Collection method: clinical testing. Allele origin: germline. Affected: yes.
Comment: Not observed at significant frequency in large population cohorts (gnomAD); In silico analysis supports that this missense variant does not alter protein structure/function; Has not been previously published as pathogenic or benign to our knowledge